The following is an entry in ClinVar:

NM_000179.3(MSH6):c.2944C>T (p.Pro982Ser)

Gene: MSH6 (mutS homolog 6; plus strand). Cytogenetic location: 2p16.3.
Variant type: single nucleotide variant.
Coding change: c.2944C>T on transcript NM_000179.3 (MANE Select); coding-DNA position 2944, C replaced by T.
Protein change: p.Pro982Ser; replaces proline 982 with serine.
Molecular consequence: missense variant. On other transcripts: non-coding transcript variant (5), intron variant (2).
Genome position (GRCh38, 1-based): chr2:47,800,927, C>T. VCF-style: chr2-47800927-C-T. GRCh37 (hg19) VCF-style: chr2-48028066-C-T.
Other names: c.2554C>T, p.Pro852Ser (NM_001281492.2); c.2038C>T, p.Pro680Ser (NM_001281493.2, NM_001281494.2, NM_001406811.1 and 6 more transcripts); c.3040C>T, p.Pro1014Ser (NM_001406795.1, NM_001406802.1); c.2944C>T, p.Pro982Ser (NM_001406796.1, NM_001406798.1, NM_001406800.1 and 2 more transcripts); c.2647C>T, p.Pro883Ser (NM_001406797.1, NM_001406801.1, NM_001406805.1 and 10 more transcripts); c.2419C>T, p.Pro807Ser (NM_001406799.1, NM_001406806.1, NM_001406807.1); c.2866C>T, p.Pro956Ser (NM_001406804.1); c.2950C>T, p.Pro984Ser (NM_001406813.1); and 4 more; short protein forms P680S, P982S, P1014S, P956S, P984S, P852S, P883S, P926S.
Identifiers: ClinVar variation 3398980 (VCV003398980.3).

ClinVar aggregate classification (germline): Uncertain significance. Review status: criteria provided, multiple submitters, no conflicts (2 of 4 stars). 2 submissions from 2 submitters: Uncertain significance (2). Last evaluated 2025-08-24.

Conditions:
Hereditary cancer-predisposing syndrome. Also called: Hereditary Cancer Syndrome; Tumor predisposition; Hereditary neoplastic syndrome; Neoplastic Syndromes, Hereditary. Identifiers: Orphanet 140162, MedGen C0027672, MeSH D009386, MONDO:0015356.

gnomAD v4.1: 1 of 1,578,734 alleles (0.000063%); highest among the groups gnomAD compares: Non-Finnish European, 0.000086%; no homozygotes.

Submissions (2):

Ambry Genetics
Classification: Uncertain significance for Hereditary cancer-predisposing syndrome. Last evaluated: 2025-08-24. Review status: criteria provided, single submitter. Criteria: Ambry Variant Classification Scheme 2023. Collection method: clinical testing. Allele origin: germline.
Comment: The p.P982S variant (also known as c.2944C>T), located in coding exon 4 of the MSH6 gene, results from a C to T substitution at nucleotide position 2944. The proline at codon 982 is replaced by serine, an amino acid with similar properties. This amino acid position is conserved. In addition, this alteration is predicted to be deleterious by in silico analysis. Based on the available evidence, the clinical significance of this variant remains unclear.

Color Diagnostics, LLC DBA Color Health
Classification: Uncertain significance for Hereditary cancer-predisposing syndrome. Last evaluated: 2025-05-25. Review status: criteria provided, single submitter. Criteria: ACMG Guidelines, 2015. Collection method: clinical testing. Allele origin: germline.
Comment: This missense variant replaces proline with serine at codon 982 of the MSH6 protein. Computational prediction suggests that this variant may have deleterious impact on protein structure and function. To our knowledge, functional studies have not been reported for this variant. This variant has not been reported in individuals affected with MSH6-related disorders in the literature. This variant has not been identified in the general population by the Genome Aggregation Database (gnomAD). The available evidence is insufficient to determine the role of this variant in disease conclusively. Therefore, this variant is classified as a Variant of Uncertain Significance.